The following is an entry in ClinVar:

ClinVar aggregate classification (germline): Conflicting classifications of pathogenicity. Review status: criteria provided, conflicting classifications (1 of 4 stars). 7 submissions from 7 submitters: Uncertain significance (1); Benign (1); Likely benign (5). Last evaluated 2025-11-25.

Conditions:
Mitochondrial DNA depletion syndrome, encephalomyopathic form with methylmalonic aciduria (MTDPS5). Also called: MITOCHONDRIAL DNA DEPLETION SYNDROME, ENCEPHALOMYOPATHIC FORM, WITH OR WITHOUT METHYLMALONIC ACIDURIA, AUTOSOMAL RECESSIVE, SUCLA2-RELATED; Mitochondrial DNA depletion syndrome 5 (encephalomyopathic with or without methylmalonic aciduria); SUCLA2-Related Mitochondrial DNA Depletion Syndrome, Encephalomyopathic Form with Methylmalonic Aciduria; Mitochondrial encephalomyopathy aminoacidopathy. Identifiers: Orphanet 1933, MedGen C5980207, MONDO:0012791, OMIM 612073.

Allele frequency attached by ClinVar (database versions not stated): gnomAD 0.00036 and 0.00041; TOPMed 0.00039; 1000 Genomes Project 0.00040; 1000 Genomes Project 30x 0.00047; ESP Exome Variant Server 0.00054; gnomAD exomes 0.00074 and 0.00082; ExAC 0.00082.
gnomAD v4.1: 1,262 of 1,613,806 alleles (0.078%); highest among the groups gnomAD compares: South Asian, 0.25%; 4 homozygotes.

Submissions (7):

Labcorp Genetics (formerly Invitae), Labcorp
Classification: Likely benign for Mitochondrial DNA depletion syndrome, encephalomyopathic form with methylmalonic aciduria. Last evaluated: 2025-11-25. Review status: criteria provided, single submitter. Criteria: Invitae Variant Classification Sherloc (09022015). Collection method: clinical testing. Allele origin: germline.

Mayo Clinic Laboratories, Mayo Clinic
Classification: Benign. Last evaluated: 2025-01-13. Review status: criteria provided, single submitter. Criteria: ACMG Guidelines, 2015. Collection method: clinical testing. Allele origin: germline. Observed: 3 variant alleles.
Comment: BS1, BS2, BP4, BP7

Blueprint Genetics
Classification: Likely benign. Last evaluated: 2024-10-10. Review status: criteria provided, single submitter. Criteria: ACMG Guidelines, 2015. Collection method: clinical testing. Allele origin: germline.

CeGaT Center for Human Genetics Tuebingen
Classification: Likely benign. Last evaluated: 2024-05-01. Review status: criteria provided, single submitter. Criteria: CeGaT Center For Human Genetics Tuebingen Variant Classification Criteria Version 2. Collection method: clinical testing. Allele origin: germline. Affected: yes. Observed: 2 variant alleles.
Comment: SUCLA2: BP4, BP7

GeneDx
Classification: Likely benign. Last evaluated: 2018-08-13. Review status: criteria provided, single submitter. Criteria: GeneDx Variant Classification Process June 2021. Collection method: clinical testing. Allele origin: germline. Affected: yes.

Illumina Laboratory Services, Illumina
Classification: Uncertain significance for Mitochondrial DNA depletion syndrome, encephalomyopathic form with methylmalonic aciduria. Last evaluated: 2018-01-13. Review status: criteria provided, single submitter. Criteria: ICSL Variant Classification Criteria 13 December 2019. Collection method: clinical testing. Allele origin: germline.

PreventionGenetics, part of Exact Sciences
Classification: Likely benign. Review status: criteria provided, single submitter. Criteria: ACMG Guidelines, 2015. Collection method: clinical testing. Allele origin: germline.

NM_003850.3(SUCLA2):c.1350G>A (p.Ala450=)

Gene: SUCLA2 (succinate-CoA ligase ADP-forming subunit beta; minus strand). Cytogenetic location: 13q14.2.
Variant type: single nucleotide variant.
Coding change: c.1350G>A on transcript NM_003850.3 (MANE Select); coding-DNA position 1350, G replaced by A.
Protein change: p.Ala450=; no amino-acid change (alanine 450 retained).
Molecular consequence: synonymous variant.
Genome position (GRCh38, 1-based): chr13:47,943,413, C>T on the plus strand (G>A on the coding strand, the complement: SUCLA2 is on the minus strand). VCF-style: chr13-47943413-C-T. GRCh37 (hg19) VCF-style: chr13-48517548-C-T.
Other names: p.Ala450=.
Identifiers: ClinVar variation 259184 (VCV000259184.44), dbSNP rs144969057, ClinGen allele CA6977761.